The following is an entry in ClinVar:

NM_000093.5(COL5A1):c.1781G>A (p.Arg594Gln)

Gene: COL5A1 (collagen type V alpha 1 chain; plus strand). Cytogenetic location: 9q34.3.
Variant type: single nucleotide variant.
Coding change: c.1781G>A on transcript NM_000093.5 (MANE Select); coding-DNA position 1781, G replaced by A.
Protein change: p.Arg594Gln; replaces arginine 594 with glutamine.
Molecular consequence: missense variant.
Genome position (GRCh38, 1-based): chr9:134,754,280, G>A. VCF-style: chr9-134754280-G-A. GRCh37 (hg19) VCF-style: chr9-137646126-G-A.
Other names: c.1781G>A, p.Arg594Gln (NM_001278074.1); short protein forms R594Q.
Identifiers: ClinVar variation 2664014 (VCV002664014.5), dbSNP rs375242683, ClinGen allele CA5318973.

ClinVar aggregate classification (germline): Uncertain significance. Review status: criteria provided, multiple submitters, no conflicts (2 of 4 stars). 4 submissions from 4 submitters: Uncertain significance (3). 1 of the submissions does not count toward it. Last evaluated 2025-08-12.

Conditions:
Ehlers-Danlos syndrome, classic type, 1 (EDSCL1). Also called: EHLERS-DANLOS SYNDROME, GRAVIS TYPE; EHLERS-DANLOS SYNDROME, SEVERE CLASSIC TYPE; Ehlers-Danlos syndrome, type 1; Ehlers-Danlos Syndrome, Classic Type, COL5A1-Related; EDS I. Identifiers: MedGen C0268335, MONDO:0019567, OMIM 130000.
Fibromuscular dysplasia, multifocal. Identifiers: MedGen C5543412, MONDO:0859151, OMIM 619329.

Allele frequency attached by ClinVar (database versions not stated): ESP Exome Variant Server 0.00008; gnomAD exomes below 0.00001; ExAC 0.00001; gnomAD 0.00001; TOPMed 0.00001.
gnomAD v4.1: 3 of 1,613,822 alleles (0.00019%); highest among the groups gnomAD compares: Non-Finnish European, 0.00025%; no homozygotes.

Submissions (4):

Equipe Genetique des Anomalies du Developpement, Université de Bourgogne
Classification: Uncertain significance for Fibromuscular dysplasia, multifocal. Last evaluated: 2025-08-12. Review status: criteria provided, single submitter. Criteria: ACMG Guidelines, 2015. Collection method: clinical testing. Allele origin: germline. Affected: yes.
Comment: This is a heterozygous missense variant in the gene COL5A1, identified through exome analysis. It affects a conserved amino acid, and in silico prediction scores support a deleterious effect. Additionally, in silico tools predict a potential impact on splicing. This variant is present at a low frequency in the gnomAD v4.1.0 database (3 heterozygous occurrences) and is currently classified as a variant of uncertain significance in ClinVar database. COL5A1 is associated with autosomal dominant connective tissue disorders, including classical Ehlers-Danlos syndrome (OMIM #130000) and fibromuscular dysplasia (OMIM #619329). Based on current evidence and available data, this variant is considered a variant of uncertain significance (class 3, according to ACMG criteria).

Labcorp Genetics (formerly Invitae), Labcorp
Classification: Uncertain significance for Ehlers-Danlos syndrome, classic type, 1. Last evaluated: 2025-02-04. Review status: criteria provided, single submitter. Criteria: Invitae Variant Classification Sherloc (09022015). Collection method: clinical testing. Allele origin: germline.
Comment: This sequence change replaces arginine, which is basic and polar, with glutamine, which is neutral and polar, at codon 594 of the COL5A1 protein (p.Arg594Gln). The frequency data for this variant in the population databases is considered unreliable, as metrics indicate poor data quality at this position in the gnomAD database. This variant has not been reported in the literature in individuals affected with COL5A1-related conditions. ClinVar contains an entry for this variant (Variation ID: 2664014). Invitae Evidence Modeling of protein sequence and biophysical properties (such as structural, functional, and spatial information, amino acid conservation, physicochemical variation, residue mobility, and thermodynamic stability) indicates that this missense variant is not expected to disrupt COL5A1 protein function with a negative predictive value of 80%. In summary, the available evidence is currently insufficient to determine the role of this variant in disease. Therefore, it has been classified as a Variant of Uncertain Significance.

ARUP Laboratories, Molecular Genetics and Genomics, ARUP Laboratories
Classification: Uncertain significance. Last evaluated: 2024-08-26. Review status: criteria provided, single submitter. Criteria: ARUP Molecular Germline Variant Investigation Process 2024. Collection method: clinical testing. Allele origin: germline.
Comment: The COL5A1 c.1781G>A; p.Arg594Gln variant (rs375242683), to our knowledge, is not reported in the medical literature but is reported in ClinVar (Variation ID: 2664014). This variant is only observed on one allele in the Genome Aggregation Database (v2.1.1), indicating it is not a common polymorphism. Computational analyses are uncertain whether this variant is neutral or deleterious (REVEL: 0.614). Due to limited information, the clinical significance of this variant is uncertain at this time.

Zotz-Klimas Genetics Lab, MVZ Zotz Klimas
Classification: Uncertain significance for Ehlers-Danlos syndrome, classic type, 1. Last evaluated: 2023-11-24. Review status: no assertion criteria provided. Collection method: clinical testing. Allele origin: germline. Affected: yes. Not counted in ClinVar's aggregate classification.